The following is an entry in ClinVar:

ClinVar aggregate classification (germline): Uncertain significance (1 of 4 stars; one submission).

Conditions:
Cardiovascular phenotype. Identifiers: MedGen CN230736.

Submission:

Ambry Genetics
Classification: Uncertain significance for Cardiovascular phenotype. Last evaluated: 2024-09-22. Review status: criteria provided, single submitter. Criteria: Ambry Variant Classification Scheme 2023. Collection method: clinical testing. Allele origin: germline.
Comment: The p.G580A variant (also known as c.1739G>C), located in coding exon 11 of the FLNC gene, results from a G to C substitution at nucleotide position 1739. The glycine at codon 580 is replaced by alanine, an amino acid with similar properties. This amino acid position is conserved. In addition, this alteration is predicted to be deleterious by in silico analysis. Based on the available evidence, the clinical significance of this variant remains unclear.

NM_001458.5(FLNC):c.1739G>C (p.Gly580Ala)

Gene: FLNC (filamin C; plus strand). Cytogenetic location: 7q32.1.
Variant type: single nucleotide variant.
Coding change: c.1739G>C on transcript NM_001458.5 (MANE Select); coding-DNA position 1739, G replaced by C.
Protein change: p.Gly580Ala; replaces glycine 580 with alanine.
Molecular consequence: missense variant.
Genome position (GRCh38, 1-based): chr7:128,840,896, G>C. VCF-style: chr7-128840896-G-C. GRCh37 (hg19) VCF-style: chr7-128480950-G-C.
Other names: c.1739G>C, p.Gly580Ala (NM_001127487.2); short protein forms G580A.
Identifiers: ClinVar variation 3515947 (VCV003515947.1).
Genomic context (GRCh38, chr7:128,840,896, plus strand): 5'-CCTTTGAGGTACAGGTGAGCCCAGAGGCAGGAGTGCAAAAGGTCCGGGCCTGGGGTCCTG[G>C]TTTGGAGACTGGCCAGGTGGGCAAGTCAGCCGATTTTGTGGTGGAAGCCATTGGCACCGA-3'
Protein context (NP_001449.3, residues 570-590): GVQKVRAWGP[Gly580Ala]LETGQVGKSA